The following is an entry in ClinVar:

NC_000008.10:g.(?_30921795)_(30925853_?)del

Gene: WRN (WRN RecQ like helicase; plus strand). Cytogenetic location: 8p12.
Variant type: Deletion.
Identifiers: ClinVar variation 1455132 (VCV001455132.5).

ClinVar aggregate classification (germline): Pathogenic (1 of 4 stars; one submission).

Conditions:
Werner syndrome (WRN). Identifiers: Orphanet 902, MedGen C0043119, MONDO:0010196, OMIM 277700.

Submission:

Labcorp Genetics (formerly Invitae), Labcorp
Classification: Pathogenic for Werner syndrome. Last evaluated: 2021-08-12. Review status: criteria provided, single submitter. Criteria: Invitae Variant Classification Sherloc (09022015). Collection method: clinical testing. Allele origin: germline.
Comment: This variant is a gross deletion of the genomic region encompassing exon(s) 4-7 of the WRN gene. This deletion is out-of-frame, and is expected to create a premature termination codon and result in an absent or disrupted protein product. Loss-of-function variants in WRN are known to be pathogenic (PMID: 16673358). This variant has not been reported in the literature in individuals affected with WRN-related conditions. For these reasons, this variant has been classified as Pathogenic.

Literature cited by the submitters: PubMed 16673358.